The following is an entry in ClinVar:

NM_000238.4(KCNH2):c.604C>T (p.Pro202Ser)

Gene: KCNH2 (potassium voltage-gated channel subfamily H member 2; minus strand). Cytogenetic location: 7q36.1.
Variant type: single nucleotide variant.
Coding change: c.604C>T on transcript NM_000238.4 (MANE Select); coding-DNA position 604, C replaced by T.
Protein change: p.Pro202Ser; replaces proline 202 with serine.
Molecular consequence: missense variant. On other transcripts: non-coding transcript variant (1).
Genome position (GRCh38, 1-based): chr7:150,958,371, G>A on the plus strand (C>T on the coding strand, the complement: KCNH2 is on the minus strand). VCF-style: chr7-150958371-G-A. GRCh37 (hg19) VCF-style: chr7-150655459-G-A.
Other names: c.316C>T, p.Pro106Ser (NM_001406753.1, NM_001406756.1); c.427C>T, p.Pro143Ser (NM_001406755.1); c.304C>T, p.Pro102Ser (NM_001406757.1); c.604C>T, p.Pro202Ser (NM_172056.3); short protein forms P106S, P143S, P202S, P102S.
Identifiers: ClinVar variation 4724197 (VCV004724197.1).

ClinVar aggregate classification (germline): Uncertain significance (1 of 4 stars; one submission).

Conditions:
Long QT syndrome (LQTS). Identifiers: MedGen C0023976, MeSH D008133, MONDO:0002442. Disease mechanism: loss of function. Inheritance: Various modes of inheritance.

Submission:

Labcorp Genetics (formerly Invitae), Labcorp
Classification: Uncertain significance for Long QT syndrome. Last evaluated: 2025-08-30. Review status: criteria provided, single submitter. Criteria: Invitae Variant Classification Sherloc (09022015). Collection method: clinical testing. Allele origin: germline.
Comment: This sequence change replaces proline, which is neutral and non-polar, with serine, which is neutral and polar, at codon 202 of the KCNH2 protein (p.Pro202Ser). This variant is not present in population databases (gnomAD no frequency). This variant has not been reported in the literature in individuals affected with KCNH2-related conditions. An algorithm developed to predict the effect of missense changes on protein structure and function (PolyPhen-2) suggests that this variant is likely to be tolerated. In summary, the available evidence is currently insufficient to determine the role of this variant in disease. Therefore, it has been classified as a Variant of Uncertain Significance.